The following is an entry in ClinVar:

NM_006899.5(IDH3B):c.124G>A (p.Asp42Asn)

Gene: IDH3B (isocitrate dehydrogenase (NAD(+)) 3 non-catalytic subunit beta; minus strand). Cytogenetic location: 20p13.
Variant type: single nucleotide variant.
Coding change: c.124G>A on transcript NM_006899.5 (MANE Select); coding-DNA position 124, G replaced by A.
Protein change: p.Asp42Asn; replaces aspartic acid 42 with asparagine.
Molecular consequence: missense variant. On other transcripts: non-coding transcript variant (1).
Genome position (GRCh38, 1-based): chr20:2,663,752, C>T on the plus strand (G>A on the coding strand, the complement: IDH3B is on the minus strand). VCF-style: chr20-2663752-C-T. GRCh37 (hg19) VCF-style: chr20-2644398-C-T.
Other names: c.124G>A, p.Asp42Asn (NM_001258384.3, NM_001330763.2, NM_174855.4); short protein forms D42N.
Identifiers: ClinVar variation 1019875 (VCV001019875.7), dbSNP rs1466193097, ClinGen allele CA408040454.
Genomic context (GRCh38, chr20:2,663,752, plus strand): 5'-CAGGCCCCACACCGTCTCCCGGAAGCATGGTCACGGGAAAGGAGCCCTCCACCCTCACGT[C>T]CTCGGCCTCAATTGGGGGAAGAGGGGAGAAGTAAAGATAGAGCTGGGGCGGGAGCACGGA-3'
Protein context (NP_008830.2, residues 32-52): AHAASRSQAE[Asp42Asn]VRVEGSFPVT

ClinVar aggregate classification (germline): Uncertain significance (1 of 4 stars; one submission).

Allele frequency attached by ClinVar (database versions not stated): gnomAD exomes below 0.00001 and 0.00001; TOPMed below 0.00001.
gnomAD v4.1: 2 of 1,614,134 alleles (0.00012%); highest among the groups gnomAD compares: Admixed American, 0.0033%; no homozygotes.

Submission:

Labcorp Genetics (formerly Invitae), Labcorp
Classification: Uncertain significance. Last evaluated: 2020-05-09. Review status: criteria provided, single submitter. Criteria: Invitae Variant Classification Sherloc (09022015). Collection method: clinical testing. Allele origin: germline.
Comment: In summary, the available evidence is currently insufficient to determine the role of this variant in disease. Therefore, it has been classified as a Variant of Uncertain Significance. Algorithms developed to predict the effect of missense changes on protein structure and function are either unavailable or do not agree on the potential impact of this missense change (SIFT: "Not Available"; PolyPhen-2: "Benign"; Align-GVGD: "Not Available"). This variant has not been reported in the literature in individuals with IDH3B-related conditions. This variant is not present in population databases (ExAC no frequency). This sequence change replaces aspartic acid with asparagine at codon 42 of the IDH3B protein (p.Asp42Asn). The aspartic acid residue is weakly conserved and there is a small physicochemical difference between aspartic acid and asparagine.